The following is an entry in ClinVar:

ClinVar aggregate classification (germline): Uncertain significance (1 of 4 stars; one submission).

Conditions:
Hereditary spastic paraplegia 30. Identifiers: Orphanet 101010, MedGen C5235139, MONDO:0012476.
Neuropathy, hereditary sensory, type 2C. Also called: Hereditary sensory and autonomic neuropathy type IIC; KIF1A-Related HSAN2 (HSAN2C). Identifiers: Orphanet 970, MedGen C3280168, MONDO:0013634, OMIM 614213.
Intellectual disability, autosomal dominant 9 (NESCAVS). Also called: NESCAV SYNDROME; KIF1A-Related Neurodevelopmental Disorder. Identifiers: Orphanet 662367, MedGen C5393830, MONDO:0013656, OMIM 614255.

Submission:

Labcorp Genetics (formerly Invitae), Labcorp
Classification: Uncertain significance for Hereditary spastic paraplegia 30; Neuropathy, hereditary sensory, type 2C; Intellectual disability, autosomal dominant 9. Last evaluated: 2025-03-03. Review status: criteria provided, single submitter. Criteria: Invitae Variant Classification Sherloc (09022015). Collection method: clinical testing. Allele origin: germline.
Comment: This sequence change replaces leucine, which is neutral and non-polar, with valine, which is neutral and non-polar, at codon 502 of the KIF1A protein (p.Leu502Val). This variant is not present in population databases (gnomAD no frequency). This variant has not been reported in the literature in individuals affected with KIF1A-related conditions. ClinVar contains an entry for this variant (Variation ID: 1377892). Invitae Evidence Modeling of protein sequence and biophysical properties (such as structural, functional, and spatial information, amino acid conservation, physicochemical variation, residue mobility, and thermodynamic stability) indicates that this missense variant is expected to disrupt KIF1A protein function with a positive predictive value of 95%. In summary, the available evidence is currently insufficient to determine the role of this variant in disease. Therefore, it has been classified as a Variant of Uncertain Significance.

NM_001244008.2(KIF1A):c.1531C>G (p.Leu511Val)

Gene: KIF1A (kinesin family member 1A; minus strand). Cytogenetic location: 2q37.3.
Variant type: single nucleotide variant.
Coding change: c.1531C>G on transcript NM_001244008.2 (MANE Select); coding-DNA position 1531, C replaced by G.
Protein change: p.Leu511Val; replaces leucine 511 with valine.
Molecular consequence: missense variant.
Genome position (GRCh38, 1-based): chr2:240,767,312, G>C on the plus strand (C>G on the coding strand, the complement: KIF1A is on the minus strand). VCF-style: chr2-240767312-G-C. GRCh37 (hg19) VCF-style: chr2-241706729-G-C.
Other names: c.1531C>G, p.Leu511Val (NM_001320705.2, NM_001330289.2, NM_001379638.1); c.1606C>G, p.Leu536Val (NM_001330290.2, NM_001379631.1, NM_001379634.1 and 2 more transcripts); c.1504C>G, p.Leu502Val (NM_001379632.1, NM_001379633.1, NM_001379636.1 and 10 more transcripts); c.1579C>G, p.Leu527Val (NM_001379637.1, NM_001379648.1); short protein forms L511V, L527V, L502V, L536V.
Identifiers: ClinVar variation 1377892 (VCV001377892.6), dbSNP rs2125927251, ClinGen allele CA351328557.